The following is an entry in ClinVar:

ClinVar aggregate classification (germline): Pathogenic/Likely pathogenic. Review status: criteria provided, multiple submitters, no conflicts (2 of 4 stars). 6 submissions from 6 submitters: Pathogenic (5); Likely pathogenic (1). Last evaluated 2025-01-14.

Conditions:
Nemaline myopathy. Also called: Myopathies, Nemaline. Identifiers: Orphanet 607, MedGen C0206157, MONDO:0018958.
Arthrogryposis multiplex congenita 6. Identifiers: MedGen C5543431, MONDO:0030281, OMIM 619334.
Nemaline myopathy 2 (NEM2). Also called: Nemaline myopathy 2, autosomal recessive. Identifiers: MedGen C1850569, MONDO:0009725, OMIM 256030.

Allele frequency attached by ClinVar (database versions not stated): ExAC 0.00001; gnomAD exomes below 0.00001 and 0.00001.
gnomAD v4.1: 3 of 1,613,420 alleles (0.00019%); highest among the groups gnomAD compares: African/African-American, 0.0013%; no homozygotes.

Submissions (6):

Dasa
Classification: Pathogenic. Last evaluated: 2025-01-14. Review status: criteria provided, single submitter. Criteria: DASA Assertion Criteria. Collection method: clinical testing. Allele origin: germline.
Comment: NM_001164508.2(NEB):c.21793C>T (p.Arg7265*) introduces a premature termination codon predicted to result in loss of normal protein function. Loss-of-function is an established mechanism of disease for this gene. This variant has been observed in affected individuals with related phenotype in a genotype context consistent with recessive disease (PMID: 25205138). This variant has been reported in individuals with related phenotype (PMID: 25205138). The variant is present at low frequency in population datasets. Based on the available data, this variant is classified as pathogenic.

Labcorp Genetics (formerly Invitae), Labcorp
Classification: Pathogenic for Nemaline myopathy 2. Last evaluated: 2024-08-05. Review status: criteria provided, single submitter. Criteria: Invitae Variant Classification Sherloc (09022015). Collection method: clinical testing. Allele origin: germline.
Comment: This sequence change creates a premature translational stop signal (p.Arg7300*) in the NEB gene. It is expected to result in an absent or disrupted protein product. Loss-of-function variants in NEB are known to be pathogenic (PMID: 25205138). This variant is present in population databases (rs750900690, gnomAD 0.007%). This premature translational stop signal has been observed in individual(s) with nemaline myopathy (PMID: 12207938). This variant is also known as Arg5564*. ClinVar contains an entry for this variant (Variation ID: 632921). For these reasons, this variant has been classified as Pathogenic.

Fulgent Genetics
Classification: Pathogenic for Nemaline myopathy 2; Arthrogryposis multiplex congenita 6. Last evaluated: 2024-03-19. Review status: criteria provided, single submitter. Criteria: ACMG Guidelines, 2015. Collection method: clinical testing. Allele origin: germline.

Baylor Genetics
Classification: Pathogenic for Arthrogryposis multiplex congenita 6. Last evaluated: 2023-12-15. Review status: criteria provided, single submitter. Criteria: ACMG Guidelines, 2015. Collection method: clinical testing. Allele origin: unknown.

GeneDx
Classification: Pathogenic. Last evaluated: 2023-11-13. Review status: criteria provided, single submitter. Criteria: GeneDx Variant Classification Process June 2021. Collection method: clinical testing. Allele origin: germline. Affected: yes.
Comment: Nonsense variant predicted to result in protein truncation or nonsense mediated decay in a gene for which loss of function is a known mechanism of disease; Not observed at significant frequency in large population cohorts (gnomAD); This variant is associated with the following publications: (PMID: 25525159, 32222963, 12207938)

Women's Health and Genetics/Laboratory Corporation of America, LabCorp
Classification: Likely pathogenic for Nemaline myopathy. Last evaluated: 2018-12-24. Review status: criteria provided, single submitter. Criteria: LabCorp Variant Classification Summary - May 2015. Collection method: clinical testing. Allele origin: germline.
Comment: Variant summary: NEB c.21898C>T (p.Arg7300X) results in a premature termination codon, predicted to cause a truncation of the encoded protein or absence of the protein due to nonsense mediated decay, which are commonly known mechanisms for disease. Truncations downstream of this position have been classified as pathogenic by our laboratory (e.g. c.24559C>T, p.Arg8187X; c.24632_24633delCT, p.Pro8211fsX4). The variant allele was found at a frequency of 8.1e-06 in 245474 control chromosomes (gnomAD and publication). The variant, c.21898C>T, has been reported in the literature in one individual affected with severe Nemaline Myopathy 2, in compound heterozygosity with NEB c.21840+5_21840+13del (Pelin_2002). To our knowledge, no experimental evidence demonstrating an impact on protein function has been reported. No clinical diagnostic laboratories have submitted clinical-significance assessments for this variant to ClinVar after 2014. Based on the evidence outlined above, the variant was classified as likely pathogenic.

Literature cited by the submitters: PubMed 25205138 (cited by Dasa and Labcorp Genetics (formerly Invitae), Labcorp); PubMed 12207938 (cited by Labcorp Genetics (formerly Invitae), Labcorp and Women's Health and Genetics/Laboratory Corporation of America, LabCorp); PubMed 15336686 (cited by Women's Health and Genetics/Laboratory Corporation of America, LabCorp); PubMed 16917880 (cited by Women's Health and Genetics/Laboratory Corporation of America, LabCorp); PubMed 25525159 (cited by Women's Health and Genetics/Laboratory Corporation of America, LabCorp).

NM_001164508.2(NEB):c.21793C>T (p.Arg7265Ter)

Genes: RIF1 (replication timing regulatory factor 1; plus strand), NEB (nebulin; minus strand). Cytogenetic location: 2q23.3.
Variant type: single nucleotide variant.
Coding change: c.21793C>T on transcript NM_001164508.2 (MANE Select); coding-DNA position 21793, C replaced by T.
Protein change: p.Arg7265Ter; replaces arginine 7265 with a stop codon.
Molecular consequence: nonsense.
Genome position (GRCh38, 1-based): chr2:151,527,528, G>A on the plus strand (C>T on the coding strand, the complement: NEB is on the minus strand). VCF-style: chr2-151527528-G-A. GRCh37 (hg19) VCF-style: chr2-152384042-G-A.
Other names: c.21793C>T, p.Arg7265Ter (NM_001164507.2); c.21898C>T, p.Arg7300Ter (NM_001271208.2); c.16690C>T, p.Arg5564Ter (NM_004543.5); short protein forms R7300*, R5564*, R7265*.
Identifiers: ClinVar variation 632921 (VCV000632921.11), dbSNP rs750900690, ClinGen allele CA1906876.